The following is an entry in ClinVar:

ClinVar aggregate classification (germline): Uncertain significance (1 of 4 stars; one submission).

Submission:

Labcorp Genetics (formerly Invitae), Labcorp
Classification: Uncertain significance. Last evaluated: 2021-06-19. Review status: criteria provided, single submitter. Criteria: Invitae Variant Classification Sherloc (09022015). Collection method: clinical testing. Allele origin: germline.
Comment: This sequence change replaces tyrosine with cysteine at codon 1116 of the POLR3A protein (p.Tyr1116Cys). The tyrosine residue is highly conserved and there is a large physicochemical difference between tyrosine and cysteine. This variant is not present in population databases (ExAC no frequency). This variant has not been reported in the literature in individuals with POLR3A-related conditions. Algorithms developed to predict the effect of missense changes on protein structure and function are either unavailable or do not agree on the potential impact of this missense change (SIFT: "Deleterious"; PolyPhen-2: "Benign"; Align-GVGD: "Class C0"). In summary, the available evidence is currently insufficient to determine the role of this variant in disease. Therefore, it has been classified as a Variant of Uncertain Significance.

NM_007055.4(POLR3A):c.3347A>G (p.Tyr1116Cys)

Gene: POLR3A (RNA polymerase III subunit A; minus strand). Cytogenetic location: 10q22.3.
Variant type: single nucleotide variant.
Coding change: c.3347A>G on transcript NM_007055.4 (MANE Select); coding-DNA position 3347, A replaced by G.
Protein change: p.Tyr1116Cys; replaces tyrosine 1116 with cysteine.
Molecular consequence: missense variant.
Genome position (GRCh38, 1-based): chr10:77,984,002, T>C on the plus strand (A>G on the coding strand, the complement: POLR3A is on the minus strand). VCF-style: chr10-77984002-T-C. GRCh37 (hg19) VCF-style: chr10-79743760-T-C.
Other names: short protein forms Y1116C.
Identifiers: ClinVar variation 1348307 (VCV001348307.8), dbSNP rs1045313780, ClinGen allele CA210190040.